The following is an entry in ClinVar:

NM_144999.4(LRRC45):c.1659G>A (p.Glu553=)

Gene: LRRC45 (leucine rich repeat containing 45; plus strand). Cytogenetic location: 17q25.3.
Variant type: single nucleotide variant.
Coding change: c.1659G>A on transcript NM_144999.4 (MANE Select); coding-DNA position 1659, G replaced by A.
Protein change: p.Glu553=; no amino-acid change (glutamic acid 553 retained).
Molecular consequence: synonymous variant.
Genome position (GRCh38, 1-based): chr17:82,030,229, G>A. VCF-style: chr17-82030229-G-A. GRCh37 (hg19) VCF-style: chr17-79988105-G-A.
Identifiers: ClinVar variation 4978126 (VCV004978126.1).
Genomic context (GRCh38, chr17:82,030,229, plus strand): 5'-CCAGACCCGGGTCAGCCAGCTGGGCCTGCAAGTTGAGGGCCTGCGGCGGCGCCTGGAAGA[G>A]CTGCAGCAGGTAGGCGGGGCTCCGGTGGGGGGCCCCGGGCGTGCTAGCCCCCAACCCTCG-3'
Protein context (NP_659436.1, residues 543-563): QVEGLRRRLE[Glu553=]LQQELSLKDQ

ClinVar aggregate classification (germline): Likely benign (1 of 4 stars; one submission).

Conditions:
LRRC45-related disorder. Also called: LRRC45-related condition.

Submission:

PreventionGenetics, part of Exact Sciences
Classification: Likely benign for LRRC45-related condition. Last evaluated: 2025-05-15. Review status: criteria provided, single submitter. Criteria: ACMG Guidelines, 2015. Collection method: clinical testing. Allele origin: germline.
Comment: This variant is classified as likely benign based on ACMG/AMP sequence variant interpretation guidelines (Richards et al. 2015 PMID: 25741868, with internal and published modifications).